The following is an entry in ClinVar:

NM_006514.4(SCN10A):c.5119A>T (p.Ile1707Phe)

Gene: SCN10A (sodium voltage-gated channel alpha subunit 10; minus strand). Cytogenetic location: 3p22.2.
Variant type: single nucleotide variant.
Coding change: c.5119A>T on transcript NM_006514.4 (MANE Select); coding-DNA position 5119, A replaced by T.
Protein change: p.Ile1707Phe; replaces isoleucine 1707 with phenylalanine.
Molecular consequence: missense variant.
Genome position (GRCh38, 1-based): chr3:38,698,101, T>A on the plus strand (A>T on the coding strand, the complement: SCN10A is on the minus strand). VCF-style: chr3-38698101-T-A. GRCh37 (hg19) VCF-style: chr3-38739592-T-A.
Other names: c.5116A>T, p.Ile1706Phe (NM_001293306.2); c.4825A>T, p.Ile1609Phe (NM_001293307.2); short protein forms I1707F, I1609F, I1706F.
Identifiers: ClinVar variation 1745449 (VCV001745449.2), dbSNP rs1347227915, ClinGen allele CA352154473.

ClinVar aggregate classification (germline): Uncertain significance (1 of 4 stars; one submission).

Conditions:
Cardiovascular phenotype. Identifiers: MedGen CN230736.

gnomAD v4.1: 2 of 1,613,968 alleles (0.00012%); highest among the groups gnomAD compares: Non-Finnish European, 0.000085%; no homozygotes.

Submission:

Ambry Genetics
Classification: Uncertain significance for Cardiovascular phenotype. Last evaluated: 2022-04-08. Review status: criteria provided, single submitter. Criteria: Ambry Variant Classification Scheme 2023. Collection method: clinical testing. Allele origin: germline.
Comment: The p.I1707F variant (also known as c.5119A>T), located in coding exon 27 of the SCN10A gene, results from an A to T substitution at nucleotide position 5119. The isoleucine at codon 1707 is replaced by phenylalanine, an amino acid with highly similar properties. This amino acid position is conserved. In addition, this alteration is predicted to be deleterious by in silico analysis. Since supporting evidence is limited at this time, the clinical significance of this alteration remains unclear.